The following is an entry in ClinVar:

NM_001159699.2(FHL1):c.204+6G>A

Gene: FHL1 (four and a half LIM domains 1; plus strand). Cytogenetic location: Xq26.3.
Variant type: single nucleotide variant.
Coding change: c.204+6G>A on transcript NM_001159699.2 (MANE Select); 6 bases into the intron after coding-DNA position 204, G replaced by A.
Molecular consequence: intron variant.
Genome position (GRCh38, 1-based): chrX:136,206,594, G>A. VCF-style: chrX-136206594-G-A. GRCh37 (hg19) VCF-style: chrX-135288753-G-A.
Other names: c.156+6G>A (NM_001159702.3, NM_001449.5, NM_001159703.2 and 10 more transcripts); c.243+6G>A (NM_001159701.2); c.204+6G>A (NM_001330659.2).
Identifiers: ClinVar variation 537359 (VCV000537359.9), dbSNP rs763404867, ClinGen allele CA10524958.

ClinVar aggregate classification (germline): Uncertain significance. Review status: criteria provided, multiple submitters, no conflicts (2 of 4 stars). 2 submissions from 2 submitters: Uncertain significance (2). Last evaluated 2025-12-09.

Conditions:
X-linked myopathy with postural muscle atrophy. Also called: FHL1-Related Emery-Dreifuss Muscular Dystrophy, X-Linked. Identifiers: Orphanet 178461, MedGen C2678055, MONDO:0010401, OMIM 300696.

Allele frequency attached by ClinVar (database versions not stated): gnomAD exomes 0.00001; TOPMed 0.00001; ExAC 0.00002.

Submissions (2):

Labcorp Genetics (formerly Invitae), Labcorp
Classification: Uncertain significance for X-linked myopathy with postural muscle atrophy. Last evaluated: 2025-12-09. Review status: criteria provided, single submitter. Criteria: Invitae Variant Classification Sherloc (09022015). Collection method: clinical testing. Allele origin: germline.
Comment: This sequence change falls in intron 3 of the FHL1 gene. It does not directly change the encoded amino acid sequence of the FHL1 protein. It affects a nucleotide within the consensus splice site. This variant is present in population databases (rs763404867, gnomAD 0.004%). This variant has not been reported in the literature in individuals affected with FHL1-related conditions. ClinVar contains an entry for this variant (Variation ID: 537359). Variants that disrupt the consensus splice site are a relatively common cause of aberrant splicing (PMID: 17576681, 9536098). Algorithms developed to predict the effect of sequence changes on RNA splicing suggest that this variant is not likely to affect RNA splicing. In summary, the available evidence is currently insufficient to determine the role of this variant in disease. Therefore, it has been classified as a Variant of Uncertain Significance.

Women's Health and Genetics/Laboratory Corporation of America, LabCorp
Classification: Uncertain significance. Last evaluated: 2023-02-10. Review status: criteria provided, single submitter. Criteria: LabCorp Variant Classification Summary - May 2015. Collection method: clinical testing. Allele origin: germline.

Literature cited by the submitters: PubMed 17576681 (cited by Labcorp Genetics (formerly Invitae), Labcorp); PubMed 9536098 (cited by Labcorp Genetics (formerly Invitae), Labcorp).